The following is an entry in ClinVar:

NM_015662.3(IFT172):c.2846C>A (p.Thr949Asn)

Gene: IFT172 (intraflagellar transport 172; minus strand). Cytogenetic location: 2p23.3.
Variant type: single nucleotide variant.
Coding change: c.2846C>A on transcript NM_015662.3 (MANE Select); coding-DNA position 2846, C replaced by A.
Protein change: p.Thr949Asn; replaces threonine 949 with asparagine.
Molecular consequence: missense variant.
Genome position (GRCh38, 1-based): chr2:27,458,810, G>T on the plus strand (C>A on the coding strand, the complement: IFT172 is on the minus strand). VCF-style: chr2-27458810-G-T. GRCh37 (hg19) VCF-style: chr2-27681677-G-T.
Other names: short protein forms T949N.
Identifiers: ClinVar variation 1464320 (VCV001464320.8), dbSNP rs1275938087, ClinGen allele CA346381505.

ClinVar aggregate classification (germline): Uncertain significance (1 of 4 stars; one submission).

Conditions:
Retinitis pigmentosa 71 (RP71). Identifiers: Orphanet 791, MedGen C4225342, MONDO:0014618, OMIM 616394.
Short-rib thoracic dysplasia 10 with or without polydactyly (SRTD10). Identifiers: Orphanet 474, MedGen C3810175, MONDO:0014284, OMIM 615630.

Allele frequency attached by ClinVar (database versions not stated): TOPMed below 0.00001; gnomAD 0.00001.
gnomAD v4.1: 2 of 1,614,050 alleles (0.00012%); highest among the groups gnomAD compares: African/African-American, 0.0027%; no homozygotes.

Submission:

Labcorp Genetics (formerly Invitae), Labcorp
Classification: Uncertain significance for Retinitis pigmentosa 71; Short-rib thoracic dysplasia 10 with or without polydactyly. Last evaluated: 2024-11-05. Review status: criteria provided, single submitter. Criteria: Invitae Variant Classification Sherloc (09022015). Collection method: clinical testing. Allele origin: germline.
Comment: This sequence change replaces threonine, which is neutral and polar, with asparagine, which is neutral and polar, at codon 949 of the IFT172 protein (p.Thr949Asn). This variant is not present in population databases (gnomAD no frequency). This variant has not been reported in the literature in individuals affected with IFT172-related conditions. ClinVar contains an entry for this variant (Variation ID: 1464320). Invitae Evidence Modeling of protein sequence and biophysical properties (such as structural, functional, and spatial information, amino acid conservation, physicochemical variation, residue mobility, and thermodynamic stability) indicates that this missense variant is not expected to disrupt IFT172 protein function with a negative predictive value of 95%. In summary, the available evidence is currently insufficient to determine the role of this variant in disease. Therefore, it has been classified as a Variant of Uncertain Significance.